The following is an entry in ClinVar:

ClinVar aggregate classification (germline): Uncertain significance (1 of 4 stars; one submission).

Conditions:
Heterotopia, periventricular, X-linked dominant (PVNH1). Also called: PERIVENTRICULAR NODULAR HETEROTOPIA 1; X-linked periventricular heterotopia; PERIVENTRICULAR NODULAR HETEROTOPIA 4; HETEROTOPIA, PERIVENTRICULAR, 1. Identifiers: Orphanet 2149, Orphanet 82004, MedGen C1848213, MONDO:0010233, OMIM 300049.
Melnick-Needles syndrome (MNS). Also called: Melnick-Needles Syndrome (FLNA-MNS); MELNICK-NEEDLES OSTEODYSPLASTY; OSTEODYSPLASTY OF MELNICK AND NEEDLES. Identifiers: Orphanet 2484, MedGen C0025237, MONDO:0010650, OMIM 309350.
Frontometaphyseal dysplasia (FMD1). Identifiers: Orphanet 1826, MedGen C0265293, MONDO:0015942.
Oto-palato-digital syndrome, type II (OPD2). Also called: Otopalatodigital Syndrome Type 2 (FLNA-OPD2); FACIOPALATOOSSEOUS SYNDROME; OPD II SYNDROME; Otopalatodigital Syndrome, Type II. Identifiers: Orphanet 669, Orphanet 90652, MedGen C1844696, MONDO:0010571, OMIM 304120.

Submission:

Labcorp Genetics (formerly Invitae), Labcorp
Classification: Uncertain significance for Oto-palato-digital syndrome, type II; Heterotopia, periventricular, X-linked dominant; Frontometaphyseal dysplasia; Melnick-Needles syndrome. Last evaluated: 2023-12-11. Review status: criteria provided, single submitter. Criteria: Invitae Variant Classification Sherloc (09022015). Collection method: clinical testing. Allele origin: germline.
Comment: This sequence change replaces threonine, which is neutral and polar, with alanine, which is neutral and non-polar, at codon 401 of the FLNA protein (p.Thr401Ala). This variant is not present in population databases (gnomAD no frequency). This variant has not been reported in the literature in individuals affected with FLNA-related conditions. Advanced modeling of protein sequence and biophysical properties (such as structural, functional, and spatial information, amino acid conservation, physicochemical variation, residue mobility, and thermodynamic stability) performed at Invitae indicates that this missense variant is not expected to disrupt FLNA protein function with a negative predictive value of 95%. In summary, the available evidence is currently insufficient to determine the role of this variant in disease. Therefore, it has been classified as a Variant of Uncertain Significance.

NM_001110556.2(FLNA):c.1201A>G (p.Thr401Ala)

Gene: FLNA (filamin A; minus strand). Cytogenetic location: Xq28.
Variant type: single nucleotide variant.
Coding change: c.1201A>G on transcript NM_001110556.2 (MANE Select); coding-DNA position 1201, A replaced by G.
Protein change: p.Thr401Ala; replaces threonine 401 with alanine.
Molecular consequence: missense variant.
Genome position (GRCh38, 1-based): chrX:154,366,335, T>C on the plus strand (A>G on the coding strand, the complement: FLNA is on the minus strand). VCF-style: chrX-154366335-T-C. GRCh37 (hg19) VCF-style: chrX-153594703-T-C.
Other names: c.1201A>G, p.Thr401Ala (NM_001456.4); short protein forms T401A.
Identifiers: ClinVar variation 2949444 (VCV002949444.3), dbSNP rs2522760759, ClinGen allele CA415244163.
Genomic context (GRCh38, chrX:154,366,335, plus strand): 5'-CAGACCAGCTGGGCCTTGGCAGCCTCCCCTCACCTGCCGTAAAGATCTCAAAGTAGGTGG[T>C]CTTGTTGGCGATGTTGCCACTGGGCTCCAGGCCGGGACCTTGGGCTGTCACTTTGCTGGC-3'
Protein context (NP_001104026.1, residues 391-411): LEPSGNIANK[Thr401Ala]TYFEIFTAGA